The following is an entry in ClinVar:

NM_032776.3(JMJD1C):c.4030A>G (p.Lys1344Glu)

Gene: JMJD1C (jumonji domain containing 1C; minus strand). Cytogenetic location: 10q21.3.
Variant type: single nucleotide variant.
Coding change: c.4030A>G on transcript NM_032776.3 (MANE Select); coding-DNA position 4030, A replaced by G.
Protein change: p.Lys1344Glu; replaces lysine 1344 with glutamic acid.
Molecular consequence: missense variant. On other transcripts: non-coding transcript variant (1).
Genome position (GRCh38, 1-based): chr10:63,207,639, T>C on the plus strand (A>G on the coding strand, the complement: JMJD1C is on the minus strand). VCF-style: chr10-63207639-T-C. GRCh37 (hg19) VCF-style: chr10-64967399-T-C.
Other names: c.3484A>G, p.Lys1162Glu (NM_001282948.2, NM_001318154.2); c.3166A>G, p.Lys1056Glu (NM_001318153.2); c.3916A>G, p.Lys1306Glu (NM_001322252.2); c.3373A>G, p.Lys1125Glu (NM_001322254.2, NM_001322258.2); short protein forms K1344E, K1056E, K1162E, K1306E, K1125E.
Identifiers: ClinVar variation 851911 (VCV000851911.10), dbSNP rs751554397, ClinGen allele CA5518342.
Genomic context (GRCh38, chr10:63,207,639, plus strand): 5'-CACTGTCTGAATTCACATTTGGCAAAATGATTCTTCCAGTTTCTCCGGCTTCTGCTAGTT[T>C]GAGGCAATCTGTTTTATGTGCCCCAGCTGAAGATCTTTCACTAACACGATCTTTAGAAGC-3'
Protein context (NP_116165.1, residues 1334-1354): SAGAHKTDCL[Lys1344Glu]LAEAGETGRI

ClinVar aggregate classification (germline): Uncertain significance (1 of 4 stars; one submission).

Conditions:
Early Myoclonic Encephalopathy. Identifiers: MedGen C0270855.

Allele frequency attached by ClinVar (database versions not stated): gnomAD exomes 0.00001 and 0.00003; TOPMed 0.00001; ExAC 0.00001; gnomAD 0.00001.
gnomAD v4.1: 40 of 1,614,080 alleles (0.0025%); highest among the groups gnomAD compares: Non-Finnish European, 0.0032%; no homozygotes.

Submission:

Labcorp Genetics (formerly Invitae), Labcorp
Classification: Uncertain significance for Early Myoclonic Encephalopathy. Last evaluated: 2019-12-27. Review status: criteria provided, single submitter. Criteria: Invitae Variant Classification Sherloc (09022015). Collection method: clinical testing. Allele origin: germline.
Comment: In summary, the available evidence is currently insufficient to determine the role of this variant in disease. Therefore, it has been classified as a Variant of Uncertain Significance. Algorithms developed to predict the effect of missense changes on protein structure and function are either unavailable or do not agree on the potential impact of this missense change (SIFT: "Deleterious"; PolyPhen-2: "Possibly Damaging"; Align-GVGD: "Class C0"). This variant has not been reported in the literature in individuals with JMJD1C-related conditions. This variant is present in population databases (rs751554397, ExAC 0.001%). This sequence change replaces lysine with glutamic acid at codon 1344 of the JMJD1C protein (p.Lys1344Glu). The lysine residue is highly conserved and there is a small physicochemical difference between lysine and glutamic acid.